The following is an entry in ClinVar:

NM_000051.4(ATM):c.6709A>G (p.Lys2237Glu)

Genes: ATM (ATM serine/threonine kinase; plus strand), C11orf65 (chromosome 11 open reading frame 65; minus strand). Cytogenetic location: 11q22.3.
Variant type: single nucleotide variant.
Coding change: c.6709A>G on transcript NM_000051.4 (MANE Select); coding-DNA position 6709, A replaced by G.
Protein change: p.Lys2237Glu; replaces lysine 2237 with glutamic acid.
Molecular consequence: missense variant. On other transcripts: intron variant (2).
Genome position (GRCh38, 1-based): chr11:108,325,446, A>G. VCF-style: chr11-108325446-A-G. GRCh37 (hg19) VCF-style: chr11-108196173-A-G.
Other names: c.*38+9774T>C (NM_001351110.2); c.6709A>G, p.Lys2237Glu (NM_001351834.2); c.641-16375T>C (NM_001330368.2); short protein forms K2237E.
Identifiers: ClinVar variation 2587780 (VCV002587780.2), dbSNP rs2547204205, ClinGen allele CA382554991.

ClinVar aggregate classification (germline): Uncertain significance (1 of 4 stars; one submission).

Conditions:
Hereditary cancer-predisposing syndrome. Also called: Hereditary Cancer Syndrome; Hereditary neoplastic syndrome; Neoplastic Syndromes, Hereditary; Tumor predisposition. Identifiers: Orphanet 140162, MedGen C0027672, MeSH D009386, MONDO:0015356.

Submission:

Ambry Genetics
Classification: Uncertain significance for Hereditary cancer-predisposing syndrome. Last evaluated: 2023-07-11. Review status: criteria provided, single submitter. Criteria: Ambry Variant Classification Scheme 2023. Collection method: clinical testing. Allele origin: germline.
Comment: The p.K2237E variant (also known as c.6709A>G), located in coding exon 45 of the ATM gene, results from an A to G substitution at nucleotide position 6709. The lysine at codon 2237 is replaced by glutamic acid, an amino acid with similar properties. This amino acid position is conserved. In addition, this alteration is predicted to be tolerated by in silico analysis. Since supporting evidence is limited at this time, the clinical significance of this alteration remains unclear.